The following is an entry in ClinVar:

NM_001282225.2(ADA2):c.1442+11T>C

Gene: ADA2 (adenosine deaminase 2; minus strand). Cytogenetic location: 22q11.1.
Variant type: single nucleotide variant.
Coding change: c.1442+11T>C on transcript NM_001282225.2 (MANE Select); 11 bases into the intron after coding-DNA position 1442, T replaced by C.
Molecular consequence: intron variant.
Genome position (GRCh38, 1-based): chr22:17,181,809, A>G on the plus strand (T>C on the coding strand, the complement: ADA2 is on the minus strand). VCF-style: chr22-17181809-A-G. GRCh37 (hg19) VCF-style: chr22-17662699-A-G.
Other names: c.1316+11T>C (NM_001282227.2, NM_001282228.2); c.1082+11T>C (NM_001282229.2); c.1442+11T>C (NM_001282226.2); c.719+11T>C (NM_177405.3).
Identifiers: ClinVar variation 402526 (VCV000402526.23), dbSNP rs58754958, ClinGen allele CA10087872.

ClinVar aggregate classification (germline): Benign/Likely benign. Review status: criteria provided, multiple submitters, no conflicts (2 of 4 stars). 9 submissions from 9 submitters: Benign (6); Likely benign (1). 2 of the submissions do not count toward it. Last evaluated 2026-02-04.

Conditions:
Deficiency of adenosine deaminase 2. Also called: Adenosine Deaminase 2 Deficiency; Polyarteritis nodosa, childhoood-onset; VASCULITIS, AUTOINFLAMMATION, IMMUNODEFICIENCY, AND HEMATOLOGIC DEFECTS SYNDROME. Identifiers: Orphanet 404553, MedGen C3887654, MONDO:0014306, OMIM 615688, MONDO:0100317.

Allele frequency attached by ClinVar (database versions not stated): 1000 Genomes Project 0.18730; 1000 Genomes Project 30x 0.18754; gnomAD exomes 0.25563 and 0.31209; ExAC 0.25683; TOPMed 0.26441; gnomAD 0.27638 and 0.28284; ESP Exome Variant Server 0.29886.
gnomAD v4.1: 495,160 of 1,607,306 alleles (31%); highest among the groups gnomAD compares: Non-Finnish European, 34%; 80,978 homozygotes.

Submissions (9):

Labcorp Genetics (formerly Invitae), Labcorp
Classification: Benign for Deficiency of adenosine deaminase 2. Last evaluated: 2026-02-04. Review status: criteria provided, single submitter. Criteria: Invitae Variant Classification Sherloc (09022015). Collection method: clinical testing. Allele origin: germline.

Women's Health and Genetics/Laboratory Corporation of America, LabCorp
Classification: Benign. Last evaluated: 2026-01-21. Review status: criteria provided, single submitter. Criteria: LabCorp Variant Classification Summary - May 2015. Collection method: clinical testing. Allele origin: germline.

Blueprint Genetics
Classification: Likely benign. Last evaluated: 2024-11-28. Review status: criteria provided, single submitter. Criteria: ACMG Guidelines, 2015. Collection method: clinical testing. Allele origin: germline.

Unidad de Genómica Garrahan, Hospital de Pediatría Garrahan
Classification: Benign. Last evaluated: 2023-11-12. Review status: criteria provided, single submitter. Criteria: ACMG Guidelines, 2015. Collection method: clinical testing. Allele origin: germline. Affected: no. Observed: 32 variant alleles.
Comment: This variant is classified as Benign based on local population frequency. This variant was detected in 33% of patients studied by a panel of primary immunodeficiencies. Number of patients: 32. Only high quality variants are reported.

GeneDx
Classification: Benign. Last evaluated: 2021-05-10. Review status: criteria provided, single submitter. Criteria: GeneDx Variant Classification Process June 2021. Collection method: clinical testing. Allele origin: germline. Affected: yes.

Laboratory for Molecular Medicine, Mass General Brigham Personalized Medicine
Classification: Benign. Last evaluated: 2016-03-29. Review status: criteria provided, single submitter. Criteria: LMM Criteria. Collection method: clinical testing. Allele origin: germline.
Comment: Variant identified in a genome or exome case(s) and assessed due to predicted null impact of the variant or pathogenic assertions in the literature or databases. Disclaimer: This variant has not undergone full assessment. The following are preliminary notes: Frequency

Breakthrough Genomics
Classification: Benign. Review status: criteria provided, single submitter. Criteria: ACMG Guidelines, 2015. Collection method: not provided. Allele origin: germline. Inheritance: Autosomal recessive inheritance. Affected: yes.

Genome Diagnostics Laboratory, University Medical Center Utrecht
Classification: Benign. Review status: no assertion criteria provided. Collection method: clinical testing. Allele origin: germline. Affected: yes. Study: VKGL Data-share Consensus. Not counted in ClinVar's aggregate classification.

Joint Genome Diagnostic Labs from Nijmegen and Maastricht, Radboudumc and MUMC+
Classification: Benign. Review status: no assertion criteria provided. Collection method: clinical testing. Allele origin: germline. Affected: yes. Study: VKGL Data-share Consensus. Not counted in ClinVar's aggregate classification.